The following is an entry in ClinVar:

ClinVar aggregate classification (germline): Pathogenic (1 of 4 stars; one submission).

Submission:

Clinical Genomics Laboratory, Laboratory for Precision Diagnostics, University of Washington
Classification: Pathogenic. Last evaluated: 2018-02-07. Review status: criteria provided, single submitter. Criteria: Clinical Cytogenomics Laboratory Policy on CNV Interpretation. Collection method: clinical testing. Allele origin: unknown. Affected: yes. Observed: 1 variant allele.

Literature cited by the submitters: PubMed 28811188.

GRCh37/hg19 1p36.33-36.32(chr1:82154-3349513)x3

Genes: ACAP3 (ArfGAP with coiled-coil, ankyrin repeat and PH domains 3; minus strand), ACTRT2 (actin related protein T2; plus strand), AGRN (agrin; plus strand), ANKRD65 (ankyrin repeat domain 65; minus strand), ATAD3A (ATPase family AAA domain containing 3A; plus strand) and 63 more. Cytogenetic location: 1p36.33-36.32.
Variant type: copy number gain.
Change: copy number 3 (three copies instead of two) of chr1:82,154-3,349,513 (3.27 Mb, GRCh37 coordinates, 1-based), cytogenetic band 1p36.33-36.32.
Identifiers: ClinVar variation 816486 (VCV000816486.2).